The following is an entry in ClinVar:

NM_000081.4(LYST):c.*725G>A

Gene: LYST (lysosomal trafficking regulator; minus strand). Cytogenetic location: 1q42.3.
Variant type: single nucleotide variant.
Coding change: c.*725G>A on transcript NM_000081.4 (MANE Select); 725 bases downstream of the stop codon, G replaced by A.
Molecular consequence: 3 prime UTR variant.
Genome position (GRCh38, 1-based): chr1:235,662,215, C>T on the plus strand (G>A on the coding strand, the complement: LYST is on the minus strand). VCF-style: chr1-235662215-C-T. GRCh37 (hg19) VCF-style: chr1-235825515-C-T.
Other names: c.*725G>A (NM_001301365.1).
Identifiers: ClinVar variation 296333 (VCV000296333.5), dbSNP rs77641278, ClinGen allele CA10610405.

ClinVar aggregate classification (germline): Benign (1 of 4 stars; one submission).

Conditions:
Chédiak-Higashi syndrome (CHS). Also called: Chediak-Higashi Syndrome. Identifiers: Orphanet 167, MedGen C0007965, MONDO:0008963, OMIM 214500.

Allele frequency attached by ClinVar (database versions not stated): 1000 Genomes Project 0.00539; gnomAD 0.00563; 1000 Genomes Project 30x 0.00578; TOPMed 0.00620.

Submission:

Illumina Laboratory Services, Illumina
Classification: Benign for Chédiak-Higashi syndrome. Last evaluated: 2018-01-12. Review status: criteria provided, single submitter. Criteria: ICSL Variant Classification Criteria 13 December 2019. Collection method: clinical testing. Allele origin: germline.
Comment: This variant was observed in the ICSL laboratory as part of a predisposition screen in an ostensibly healthy population. It had not been previously curated by ICSL or reported in the Human Gene Mutation Database (HGMD: prior to June 1st, 2018), and was therefore a candidate for classification through an automated scoring system. Utilizing variant allele frequency, disease prevalence and penetrance estimates, and inheritance mode, an automated score was calculated to assess if this variant is too frequent to cause the disease. Based on the score and internal cut-off values, a variant classified as benign is not then subjected to further curation. The score for this variant resulted in a classification of benign for this disease.